The following is an entry in ClinVar:

NM_001563.4(IMPG1):c.175C>T (p.Arg59Ter)

Gene: IMPG1 (interphotoreceptor matrix proteoglycan 1; minus strand). Cytogenetic location: 6q14.1.
Variant type: single nucleotide variant.
Coding change: c.175C>T on transcript NM_001563.4 (MANE Select); coding-DNA position 175, C replaced by T.
Protein change: p.Arg59Ter; replaces arginine 59 with a stop codon.
Molecular consequence: nonsense. On other transcripts: intron variant (1).
Genome position (GRCh38, 1-based): chr6:76,042,019, G>A on the plus strand (C>T on the coding strand, the complement: IMPG1 is on the minus strand). VCF-style: chr6-76042019-G-A. GRCh37 (hg19) VCF-style: chr6-76751736-G-A.
Other names: c.68-7232C>T (NM_001282368.2); short protein forms R59*.
Identifiers: ClinVar variation 620263 (VCV000620263.15), dbSNP rs200651043, ClinGen allele CA3898627.

ClinVar aggregate classification (germline): Conflicting classifications of pathogenicity. Review status: criteria provided, conflicting classifications (1 of 4 stars). 6 submissions from 6 submitters: Pathogenic (1); Likely pathogenic (4); Uncertain significance (1). Last evaluated 2026-03-24.

Conditions:
Benign concentric annular macular dystrophy. Identifiers: Orphanet 251287, MedGen C5561925, MONDO:0007934, OMIM 153870.
Vitelliform macular dystrophy 4. Identifiers: Orphanet 99000, MedGen C4015342, MONDO:0014508, OMIM 616151.
IMPG1-related disorder. Also called: IMPG1-related condition.

Allele frequency attached by ClinVar (database versions not stated): gnomAD 0.00001 and 0.00002; TOPMed 0.00001; 1000 Genomes Project 30x 0.00016; 1000 Genomes Project 0.00020.
gnomAD v4.1: 84 of 1,612,214 alleles (0.0052%); highest among the groups gnomAD compares: Non-Finnish European, 0.0068%; no homozygotes.

Submissions (6):

PreventionGenetics, part of Exact Sciences
Classification: Uncertain significance for IMPG1-related condition. Last evaluated: 2026-03-24. Review status: criteria provided, single submitter. Criteria: ACMG Guidelines, 2015. Collection method: clinical testing. Allele origin: germline.
Comment: The IMPG1 c.175C>T variant is predicted to result in premature protein termination (p.Arg59*). To our knowledge, this variant has not been reported in the literature for individuals with disease. This variant is present in 0.011% of alleles in individuals of East Asian descent in gnomAD, and has been reported in a carrier screen of the general population (Hanany et al. 2020. PubMed ID: 31964843). Predicted loss of function variants, such as this nonsense variant, in IMPG1 are not yet a fully established mechanism of disease. Therefore although we suspect that this variant may be pathogenic, at this time, the clinical significance of this variant is uncertain due to the absence of conclusive functional and genetic evidence.

First Genomix Gene Laboratory, Genetic Diagnostics Department
Classification: Likely pathogenic for Vitelliform macular dystrophy 4. Last evaluated: 2025-05-30. Review status: criteria provided, single submitter. Criteria: ACMG Guidelines, 2015. Collection method: clinical testing. Allele origin: germline. Inheritance: Autosomal recessive inheritance. Affected: no. Observed: 1 variant allele.

Labcorp Genetics (formerly Invitae), Labcorp
Classification: Pathogenic. Last evaluated: 2024-10-11. Review status: criteria provided, single submitter. Criteria: Invitae Variant Classification Sherloc (09022015). Collection method: clinical testing. Allele origin: germline.
Comment: This sequence change creates a premature translational stop signal (p.Arg59*) in the IMPG1 gene. It is expected to result in an absent or disrupted protein product. Loss-of-function variants in IMPG1 are known to be pathogenic (PMID: 23993198). This variant is present in population databases (rs200651043, gnomAD 0.006%). This variant has not been reported in the literature in individuals affected with IMPG1-related conditions. ClinVar contains an entry for this variant (Variation ID: 620263). For these reasons, this variant has been classified as Pathogenic.

Blueprint Genetics
Classification: Likely pathogenic for IMPG1-related disorders. Last evaluated: 2024-07-09. Review status: criteria provided, single submitter. Criteria: ACMG Guidelines, 2015. Collection method: clinical testing. Allele origin: germline. Affected: yes. Observed: 5 variant alleles.

GeneDx
Classification: Likely pathogenic. Last evaluated: 2018-07-24. Review status: criteria provided, single submitter. Criteria: GeneDx Variant Classification (06012015). Collection method: clinical testing. Allele origin: germline. Affected: yes.
Comment: The R59X variant in the IMPG1 gene has not been reported previously as a pathogenic variant nor as a benign variant, to our knowledge. This variant is predicted to cause loss of normal protein function either through protein truncation or nonsense-mediated mRNA decay. The R59X variant is observed in 7/246,038 (0.0028%) global alleles in large population cohorts and no individuals were reported to be homozygous (Lek et al., 2016). We interpret R59X as a likely pathogenic variant.

Juno Genomics, Hangzhou Juno Genomics, Inc
Classification: Likely pathogenic for Benign concentric annular macular dystrophy; Vitelliform macular dystrophy 4. Review status: criteria provided, single submitter. Criteria: ACMG Guidelines, 2015. Collection method: clinical testing. Allele origin: germline.
Comment: Absent from controls (or at extremely low frequency if recessive) in Genome Aggregation Database.;Null variant in a gene where loss of function (LOF) is a known mechanism of disease.

Literature cited by the submitters: PubMed 23993198 (cited by Labcorp Genetics (formerly Invitae), Labcorp).